The following is an entry in ClinVar:

ClinVar aggregate classification (germline): Likely pathogenic (1 of 4 stars; one submission).

Conditions:
Aicardi-Goutieres syndrome 5. Identifiers: Orphanet 51, MedGen C2749659, MONDO:0013059, OMIM 612952.

Submission:

Labcorp Genetics (formerly Invitae), Labcorp
Classification: Likely pathogenic for Aicardi-Goutieres syndrome 5. Last evaluated: 2019-04-15. Review status: criteria provided, single submitter. Criteria: Invitae Variant Classification Sherloc (09022015). Collection method: clinical testing. Allele origin: germline.
Comment: This variant results in a copy number gain of the genomic region encompassing exon 5 of the SAMHD1 gene. While the exact position of this variant cannot be determined from this data, sub-genic copy number gains are generally in tandem (PMID: 25640679) and may result in an absent or disrupted protein product. This variant has not been reported in the literature in individuals with SAMHD1-related conditions. Loss-of-function variants in SAMHD1 are known to be pathogenic (PMID: 19525956, 22461318). In summary, the currently available evidence indicates that the variant is pathogenic, but additional data are needed to prove that conclusively. Therefore, this variant has been classified as Likely Pathogenic.

Literature cited by the submitters: PubMed 25640679; PubMed 19525956; PubMed 22461318.

NC_000020.11:g.(?_36930750)_(36930885_?)dup

Gene: SAMHD1 (SAM and HD domain containing deoxynucleoside triphosphate triphosphohydrolase 1; minus strand). Cytogenetic location: 20q11.23.
Variant type: Duplication.
Identifiers: ClinVar variation 831247 (VCV000831247.4).